The following is an entry in ClinVar:

NM_001204.7(BMPR2):c.566T>C (p.Met189Thr)

Gene: BMPR2 (bone morphogenetic protein receptor type 2; plus strand). Cytogenetic location: 2q33.2.
Variant type: single nucleotide variant.
Coding change: c.566T>C on transcript NM_001204.7 (MANE Select); coding-DNA position 566, T replaced by C.
Protein change: p.Met189Thr; replaces methionine 189 with threonine.
Molecular consequence: missense variant.
Genome position (GRCh38, 1-based): chr2:202,514,924, T>C. VCF-style: chr2-202514924-T-C. GRCh37 (hg19) VCF-style: chr2-203379647-T-C.
Other names: short protein forms M189T.
Identifiers: ClinVar variation 3824834 (VCV003824834.1).

ClinVar aggregate classification (germline): Uncertain significance (1 of 4 stars; one submission).

Conditions:
Inborn genetic diseases. Identifiers: MedGen C0950123, MeSH D030342.

Submission:

Ambry Genetics
Classification: Uncertain significance for Inborn genetic diseases. Last evaluated: 2025-01-11. Review status: criteria provided, single submitter. Criteria: Ambry Variant Classification Scheme 2023. Collection method: clinical testing. Allele origin: germline.
Comment: The p.M189T variant (also known as c.566T>C), located in coding exon 5 of the BMPR2 gene, results from a T to C substitution at nucleotide position 566. The methionine at codon 189 is replaced by threonine, an amino acid with similar properties. This amino acid position is conserved. In addition, this alteration is predicted to be deleterious by in silico analysis. Based on the available evidence, the clinical significance of this variant remains unclear.